The following is an entry in ClinVar:

NM_000789.4(ACE):c.2675A>G (p.Tyr892Cys)

Gene: ACE (angiotensin I converting enzyme; plus strand). Cytogenetic location: 17q23.3.
Variant type: single nucleotide variant.
Coding change: c.2675A>G on transcript NM_000789.4 (MANE Select); coding-DNA position 2675, A replaced by G.
Protein change: p.Tyr892Cys; replaces tyrosine 892 with cysteine.
Molecular consequence: missense variant. On other transcripts: non-coding transcript variant (1).
Genome position (GRCh38, 1-based): chr17:63,490,987, A>G. VCF-style: chr17-63490987-A-G. GRCh37 (hg19) VCF-style: chr17-61568348-A-G.
Other names: c.953A>G, p.Tyr318Cys (NM_001178057.2, NM_152830.3); c.2108A>G, p.Tyr703Cys (NM_001382700.1); c.1823A>G, p.Tyr608Cys (NM_001382701.1); c.413A>G, p.Tyr138Cys (NM_001382702.1); short protein forms Y892C, Y703C, Y318C, Y608C, Y138C.
Identifiers: ClinVar variation 1953658 (VCV001953658.5), dbSNP rs750406199, ClinGen allele CA8700200.

ClinVar aggregate classification (germline): Uncertain significance (1 of 4 stars; one submission).

Allele frequency attached by ClinVar (database versions not stated): gnomAD exomes below 0.00001; ExAC 0.00001.
gnomAD v4.1: 7 of 1,614,126 alleles (0.00043%); highest among the groups gnomAD compares: East Asian, 0.0022%; no homozygotes.

Submission:

Labcorp Genetics (formerly Invitae), Labcorp
Classification: Uncertain significance. Last evaluated: 2022-08-06. Review status: criteria provided, single submitter. Criteria: Invitae Variant Classification Sherloc (09022015). Collection method: clinical testing. Allele origin: germline.
Comment: This sequence change replaces tyrosine, which is neutral and polar, with cysteine, which is neutral and slightly polar, at codon 892 of the ACE protein (p.Tyr892Cys). This variant is present in population databases (rs750406199, gnomAD 0.006%). This variant has not been reported in the literature in individuals affected with ACE-related conditions. Algorithms developed to predict the effect of missense changes on protein structure and function are either unavailable or do not agree on the potential impact of this missense change (SIFT: "Deleterious"; PolyPhen-2: "Probably Damaging"; Align-GVGD: "Class C0"). In summary, the available evidence is currently insufficient to determine the role of this variant in disease. Therefore, it has been classified as a Variant of Uncertain Significance.